The following is an entry in ClinVar:

ClinVar aggregate classification (germline): Likely benign (1 of 4 stars; one submission).

Submission:

CeGaT Center for Human Genetics Tuebingen
Classification: Likely benign. Last evaluated: 2025-08-01. Review status: criteria provided, single submitter. Criteria: CeGaT Center For Human Genetics Tuebingen Variant Classification Criteria Version 2. Collection method: clinical testing. Allele origin: germline. Affected: yes. Observed: 1 variant allele.
Comment: HRNR: BP4, BP7

NM_001009931.3(HRNR):c.4908C>A (p.Gly1636=)

Genes: CCDST (cervical cancer associated DHX9 suppressive transcript; plus strand), HRNR (hornerin; minus strand). Cytogenetic location: 1q21.3.
Variant type: single nucleotide variant.
Coding change: c.4908C>A on transcript NM_001009931.3 (MANE Select); coding-DNA position 4908, C replaced by A.
Protein change: p.Gly1636=; no amino-acid change (glycine 1636 retained).
Molecular consequence: synonymous variant.
Genome position (GRCh38, 1-based): chr1:152,216,721, G>T on the plus strand (C>A on the coding strand, the complement: HRNR is on the minus strand). VCF-style: chr1-152216721-G-T. GRCh37 (hg19) VCF-style: chr1-152189197-G-T.
Identifiers: ClinVar variation 4084142 (VCV004084142.8).